The following is an entry in ClinVar:

ClinVar aggregate classification (germline): Uncertain significance (1 of 4 stars; one submission).

Conditions:
CDKL5 disorder. Identifiers: MedGen CN296942, MONDO:0100039.

Submission:

Centre for Population Genomics, CPG
Classification: Uncertain significance for CDKL5 disorder. Last evaluated: 2024-12-20. Review status: criteria provided, single submitter. Criteria: McKnight et al. (Hum Mutat. 2022). Collection method: curation. Allele origin: germline. Inheritance: X-linked inheritance.
Comment: This variant has been collected from RettBASE and curated to current modified ACMG/AMP criteria. Based on the classification scheme defined by the ClinGen Rett/Angelman-like Expert Panel for Rett/AS-like Disorders Specifications to the ACMG/AMP Variant Interpretation Guidelines VCEP 3.0, this variant is classified as a variant of uncertain significance. At least the following criteria are met: This variant has been identified as a de novo occurrence in an individual with CDKL5 disorder without confirmation of paternity and maternity (PM6, PMID: 38874638). This variant is absent from gnomAD (PM2_Supporting).

NM_001323289.2(CDKL5):c.607G>A (p.Glu203Lys)

Gene: CDKL5 (cyclin dependent kinase like 5; plus strand). Cytogenetic location: Xp22.13.
Variant type: single nucleotide variant.
Coding change: c.607G>A on transcript NM_001323289.2 (MANE Select); coding-DNA position 607, G replaced by A.
Protein change: p.Glu203Lys; replaces glutamic acid 203 with lysine.
Molecular consequence: missense variant.
Genome position (GRCh38, 1-based): chrX:18,588,006, G>A. VCF-style: chrX-18588006-G-A. GRCh37 (hg19) VCF-style: chrX-18606126-G-A.
Other names: NM_003159.3:c.607G>A; c.607G>A, p.Glu203Lys (NM_001037343.2, NM_003159.3); short protein forms E203K.
Identifiers: ClinVar variation 3602042 (VCV003602042.1).
Genomic context (GRCh38, chrX:18,588,006, plus strand): 5'-TTTTTCAGCGCTCCCTATGGAAAGTCCGTGGACATGTGGTCGGTGGGCTGTATTCTTGGG[G>A]AGCTTAGCGATGGACAGCCTTTATTTCCTGGAGAAAGTGAAATTGACCAACTTTTTACTA-3'
Protein context (NP_001310218.1, residues 193-213): DMWSVGCILG[Glu203Lys]LSDGQPLFPG